The following is an entry in ClinVar:

ClinVar aggregate classification (germline): Uncertain significance (1 of 4 stars; one submission).

Conditions:
SEMA3G-related disorder. Also called: SEMA3G-related condition.

gnomAD v4.1: 44 of 1,613,590 alleles (0.0027%); highest among the groups gnomAD compares: South Asian, 0.031%; no homozygotes.

Submission:

PreventionGenetics, part of Exact Sciences
Classification: Uncertain significance for SEMA3G-related condition. Last evaluated: 2026-08-11. Review status: criteria provided, single submitter. Criteria: ACMG Guidelines, 2015. Collection method: clinical testing. Allele origin: germline.
Comment: The SEMA3G c.763G>A variant is predicted to result in the amino acid substitution p.Asp255Asn. To our knowledge, this variant has not been reported in the literature. This variant is reported in 0.029% of alleles in individuals of South Asian descent in gnomAD. At this time, the clinical significance of this variant is uncertain due to the absence of conclusive functional and genetic evidence.

NM_020163.3(SEMA3G):c.763G>A (p.Asp255Asn)

Gene: SEMA3G (semaphorin 3G; minus strand). Cytogenetic location: 3p21.1.
Variant type: single nucleotide variant.
Coding change: c.763G>A on transcript NM_020163.3 (MANE Select); coding-DNA position 763, G replaced by A.
Protein change: p.Asp255Asn; replaces aspartic acid 255 with asparagine.
Molecular consequence: missense variant.
Genome position (GRCh38, 1-based): chr3:52,441,314, C>T on the plus strand (G>A on the coding strand, the complement: SEMA3G is on the minus strand). VCF-style: chr3-52441314-C-T. GRCh37 (hg19) VCF-style: chr3-52475330-C-T.
Other names: short protein forms D255N.
Identifiers: ClinVar variation 4977802 (VCV004977802.1).